The following is an entry in ClinVar:

ClinVar aggregate classification (germline): Uncertain significance (1 of 4 stars; one submission).

gnomAD v4.1: 15 of 1,596,212 alleles (0.00094%); highest among the groups gnomAD compares: African/African-American, 0.004%; no homozygotes.

Submission:

GeneDx
Classification: Uncertain significance. Last evaluated: 2024-07-22. Review status: criteria provided, single submitter. Criteria: GeneDx Variant Classification Process June 2021. Collection method: clinical testing. Allele origin: germline. Affected: yes.
Comment: Not observed at significant frequency in large population cohorts (gnomAD); In silico analysis supports that this missense variant has a deleterious effect on protein structure/function; Has not been previously published as pathogenic or benign to our knowledge

NM_001378328.1(CELSR1):c.5621A>G (p.Asp1874Gly)

Gene: CELSR1 (cadherin EGF LAG seven-pass G-type receptor 1; minus strand). Cytogenetic location: 22q13.31.
Variant type: single nucleotide variant.
Coding change: c.5621A>G on transcript NM_001378328.1 (MANE Select); coding-DNA position 5621, A replaced by G.
Protein change: p.Asp1874Gly; replaces aspartic acid 1874 with glycine.
Molecular consequence: missense variant.
Genome position (GRCh38, 1-based): chr22:46,397,754, T>C on the plus strand (A>G on the coding strand, the complement: CELSR1 is on the minus strand). VCF-style: chr22-46397754-T-C. GRCh37 (hg19) VCF-style: chr22-46793651-T-C.
Other names: c.5621A>G, p.Asp1874Gly (NM_014246.4); short protein forms D1874G.
Identifiers: ClinVar variation 3600903 (VCV003600903.1).